The following is an entry in ClinVar:

ClinVar aggregate classification (germline): Pathogenic (1 of 4 stars; one submission).

Submission:

Labcorp Genetics (formerly Invitae), Labcorp
Classification: Pathogenic. Last evaluated: 2025-05-19. Review status: criteria provided, single submitter. Criteria: Invitae Variant Classification Sherloc (09022015). Collection method: clinical testing. Allele origin: germline.
Comment: This sequence change creates a premature translational stop signal (p.Cys318*) in the ACAN gene. It is expected to result in an absent or disrupted protein product. Loss-of-function variants in ACAN are known to be pathogenic (PMID: 16080123, 24762113). This variant is not present in population databases (gnomAD no frequency). This variant has not been reported in the literature in individuals affected with ACAN-related conditions. ClinVar contains an entry for this variant (Variation ID: 2096900). For these reasons, this variant has been classified as Pathogenic.

Literature cited by the submitters: PubMed 16080123; PubMed 24762113.

NM_001369268.1(ACAN):c.954C>A (p.Cys318Ter)

Gene: ACAN (aggrecan; plus strand). Cytogenetic location: 15q26.1.
Variant type: single nucleotide variant.
Coding change: c.954C>A on transcript NM_001369268.1 (MANE Select); coding-DNA position 954, C replaced by A.
Protein change: p.Cys318Ter; replaces cysteine 318 with a stop codon.
Molecular consequence: nonsense.
Genome position (GRCh38, 1-based): chr15:88,843,551, C>A. VCF-style: chr15-88843551-C-A. GRCh37 (hg19) VCF-style: chr15-89386782-C-A.
Other names: c.954C>A, p.Cys318Ter (NM_001135.4, NM_001411096.1, NM_001411097.1 and 1 more transcripts); short protein forms C318*.
Identifiers: ClinVar variation 2096900 (VCV002096900.4), dbSNP rs1458616144, ClinGen allele CA393707900.
Genomic context (GRCh38, chr15:88,843,551, plus strand): 5'-CGCCGGCTGGCTGGCCGACCGCAGCGTGCGCTACCCCATCTCCAAGGCCCGGCCCAACTG[C>A]GGTGGCAACCTCCTGGGCGTGAGGACCGTCTACGTGCATGCCAACCAGACGGGCTACCCC-3'